The following is an entry in ClinVar:

NM_004187.5(KDM5C):c.1401+2T>C

Gene: KDM5C (lysine demethylase 5C; minus strand). Cytogenetic location: Xp11.22.
Variant type: single nucleotide variant.
Coding change: c.1401+2T>C on transcript NM_004187.5 (MANE Select); the canonical splice donor site of the intron after coding-DNA position 1401, T replaced by C.
Molecular consequence: splice donor variant.
Genome position (GRCh38, 1-based): chrX:53,211,495, A>G on the plus strand (T>C on the coding strand, the complement: KDM5C is on the minus strand). VCF-style: chrX-53211495-A-G. GRCh37 (hg19) VCF-style: chrX-53240677-A-G.
Other names: c.1398+2T>C (NM_001353982.2, NM_001353979.2, NM_001282622.3); c.1401+2T>C (NM_001353981.2, NM_001353984.2, NM_001353978.3); c.1200+2T>C (NM_001146702.2).
Identifiers: ClinVar variation 4277242 (VCV004277242.1).

ClinVar aggregate classification (germline): Likely pathogenic (1 of 4 stars; one submission).

Conditions:
Intellectual developmental disorder, X-linked, syndromic, Claes-Jensen type. Also called: Syndromic X-linked intellectual disability Claes-Jensen type; INTELLECTUAL DEVELOPMENTAL DISORDER, X-LINKED, SYNDROMIC 16; MENTAL RETARDATION, X-LINKED, SYNDROMIC 16. Identifiers: Orphanet 85279, MedGen C1845243, MONDO:0010355, OMIM 300534.

gnomAD v4.1: 1 of 1,209,713 alleles (0.000083%); highest among the groups gnomAD compares: Non-Finnish European, 0.00011%; no homozygotes.

Submission:

Institute of Human Genetics, Heidelberg University
Classification: Likely pathogenic for Intellectual developmental disorder, X-linked, syndromic, Claes-Jensen type. Last evaluated: 2025-03-14. Review status: criteria provided, single submitter. Criteria: ACMG Guidelines, 2015. Collection method: clinical testing. Allele origin: maternal. Affected: yes. Observed: 2 variant alleles.
Comment: PVS1_vstrong, PM2_supp